The following is an entry in ClinVar:

NM_021625.5(TRPV4):c.799C>T (p.Gln267Ter)

Gene: TRPV4 (transient receptor potential cation channel subfamily V member 4; minus strand). Cytogenetic location: 12q24.11.
Variant type: single nucleotide variant.
Coding change: c.799C>T on transcript NM_021625.5 (MANE Select); coding-DNA position 799, C replaced by T.
Protein change: p.Gln267Ter; replaces glutamine 267 with a stop codon.
Molecular consequence: nonsense. On other transcripts: intron variant (2).
Genome position (GRCh38, 1-based): chr12:109,800,672, G>A on the plus strand (C>T on the coding strand, the complement: TRPV4 is on the minus strand). VCF-style: chr12-109800672-G-A. GRCh37 (hg19) VCF-style: chr12-110238477-G-A.
Other names: c.697C>T, p.Gln233Ter (NM_001177431.2); c.799C>T, p.Gln267Ter (NM_147204.3); c.713-1760C>T (NM_001177433.1, NM_001177428.1); short protein forms Q267*, Q233*.
Identifiers: ClinVar variation 3716924 (VCV003716924.2).
Genomic context (GRCh38, chr12:109,800,672, plus strand): 5'-CCTTACCAAAGTAGAAGTAGCCCCCCTCATCCTTGGGCTGGAAGAAGCGCCCACGGGCCT[G>A]GGCGTGGACATCAGCTCCCTGGGCCACGAGAAGTTCCACGTAGTGTTTGCAGCGACGCTC-3'

ClinVar aggregate classification (germline): Uncertain significance (1 of 4 stars; one submission).

Conditions:
Charcot-Marie-Tooth disease axonal type 2C (HMSN2C). Also called: CHARCOT-MARIE-TOOTH DISEASE, AXONAL, AUTOSOMAL DOMINANT, TYPE 2C; Charcot-Marie-Tooth Neuropathy Type 2C; Charcot-Marie-Tooth Disease Type 2, TRPV4-Related (CMT2C). Identifiers: Orphanet 99937, MedGen C1853710, MONDO:0011633, OMIM 606071.

gnomAD v4.1: 5 of 1,614,206 alleles (0.00031%); highest among the groups gnomAD compares: African/African-American, 0.0013%; no homozygotes.

Submission:

Labcorp Genetics (formerly Invitae), Labcorp
Classification: Uncertain significance for Charcot-Marie-Tooth disease axonal type 2C. Last evaluated: 2024-06-15. Review status: criteria provided, single submitter. Criteria: Invitae Variant Classification Sherloc (09022015). Collection method: clinical testing. Allele origin: germline.
Comment: This sequence change creates a premature translational stop signal (p.Gln267*) in the TRPV4 gene. It is expected to result in an absent or disrupted protein product. However, the current clinical and genetic evidence is not sufficient to establish whether loss-of-function variants in TRPV4 cause disease. This variant is present in population databases (no rsID available, gnomAD 0.007%). This variant has not been reported in the literature in individuals affected with TRPV4-related conditions. In summary, the available evidence is currently insufficient to determine the role of this variant in disease. Therefore, it has been classified as a Variant of Uncertain Significance.